The following is an entry in ClinVar:

ClinVar aggregate classification (germline): Uncertain significance. Review status: criteria provided, multiple submitters, no conflicts (2 of 4 stars). 2 submissions from 2 submitters: Uncertain significance (2). Last evaluated 2025-12-22.

Conditions:
Hereditary cancer-predisposing syndrome. Also called: Neoplastic Syndromes, Hereditary; Tumor predisposition; Hereditary Cancer Syndrome; Hereditary neoplastic syndrome. Identifiers: Orphanet 140162, MedGen C0027672, MeSH D009386, MONDO:0015356.
ATM-related cancer predisposition. Also called: ATM-related cancer susceptibility. Identifiers: MedGen CN377759, MONDO:0700270.

Submissions (2):

Dasa
Classification: Uncertain significance for ATM-related cancer predisposition. Last evaluated: 2025-12-22. Review status: criteria provided, single submitter. Criteria: DASA Assertion Criteria. Collection method: clinical testing. Allele origin: germline.
Comment: NM_000051.4(ATM):c.8627T>A (p.Ile2876Asn) is a missense variant that results in the substitution of isoleucine with asparagine. This variant is absent from population databases. Computational prediction algorithms are consistent with a deleterious effect. The currently available literature and clinical evidence are not sufficient to establish a definitive association between this variant and the reported condition. Therefore, this variant is classified as a variant of uncertain significance.

Ambry Genetics
Classification: Uncertain significance for Hereditary cancer-predisposing syndrome. Last evaluated: 2025-05-31. Review status: criteria provided, single submitter. Criteria: Ambry Variant Classification Scheme 2023. Collection method: clinical testing. Allele origin: germline.
Comment: The p.I2876N variant (also known as c.8627T>A), located in coding exon 58 of the ATM gene, results from a T to A substitution at nucleotide position 8627. The isoleucine at codon 2876 is replaced by asparagine, an amino acid with dissimilar properties. This amino acid position is conserved. In addition, this alteration is predicted to be deleterious by in silico analysis. Based on the available evidence, the clinical significance of this variant remains unclear.

NM_000051.4(ATM):c.8627T>A (p.Ile2876Asn)

Genes: ATM (ATM serine/threonine kinase; plus strand), C11orf65 (chromosome 11 open reading frame 65; minus strand). Cytogenetic location: 11q22.3.
Variant type: single nucleotide variant.
Coding change: c.8627T>A on transcript NM_000051.4 (MANE Select); coding-DNA position 8627, T replaced by A.
Protein change: p.Ile2876Asn; replaces isoleucine 2876 with asparagine.
Molecular consequence: missense variant. On other transcripts: intron variant (2).
Genome position (GRCh38, 1-based): chr11:108,347,321, T>A. VCF-style: chr11-108347321-T-A. GRCh37 (hg19) VCF-style: chr11-108218048-T-A.
Other names: c.8627T>A, p.Ile2876Asn (NM_001351834.2); c.641-38250A>T (NM_001330368.2); c.695-12029A>T (NM_001351110.2); short protein forms I2876N.
Identifiers: ClinVar variation 3967476 (VCV003967476.3).